The following is an entry in ClinVar:

NM_000755.5(CRAT):c.1292C>A (p.Ala431Asp)

Gene: CRAT (carnitine O-acetyltransferase; minus strand). Cytogenetic location: 9q34.11.
Variant type: single nucleotide variant.
Coding change: c.1292C>A on transcript NM_000755.5 (MANE Select); coding-DNA position 1292, C replaced by A.
Protein change: p.Ala431Asp; replaces alanine 431 with aspartic acid.
Molecular consequence: missense variant.
Genome position (GRCh38, 1-based): chr9:129,098,285, G>T on the plus strand (C>A on the coding strand, the complement: CRAT is on the minus strand). VCF-style: chr9-129098285-G-T. GRCh37 (hg19) VCF-style: chr9-131860564-G-T.
Other names: c.1229C>A, p.Ala410Asp (NM_001257363.3, NM_001346548.2, NM_004003.4); c.1295C>A, p.Ala432Asp (NM_001346546.2); c.1292C>A, p.Ala431Asp (NM_001346547.2); c.1172C>A, p.Ala391Asp (NM_001346549.2); short protein forms A431D, A410D, A432D, A391D.
Identifiers: ClinVar variation 1353713 (VCV001353713.8), dbSNP rs1847419230, ClinGen allele CA375141363.

ClinVar aggregate classification (germline): Uncertain significance (1 of 4 stars; one submission).

Submission:

Labcorp Genetics (formerly Invitae), Labcorp
Classification: Uncertain significance. Last evaluated: 2025-01-27. Review status: criteria provided, single submitter. Criteria: Invitae Variant Classification Sherloc (09022015). Collection method: clinical testing. Allele origin: germline.
Comment: This sequence change replaces alanine, which is neutral and non-polar, with aspartic acid, which is acidic and polar, at codon 431 of the CRAT protein (p.Ala431Asp). This variant is not present in population databases (gnomAD no frequency). This variant has not been reported in the literature in individuals affected with CRAT-related conditions. ClinVar contains an entry for this variant (Variation ID: 1353713). Invitae Evidence Modeling of protein sequence and biophysical properties (such as structural, functional, and spatial information, amino acid conservation, physicochemical variation, residue mobility, and thermodynamic stability) has been performed for this missense variant. However, the output from this modeling did not meet the statistical confidence thresholds required to predict the impact of this variant on CRAT protein function. In summary, the available evidence is currently insufficient to determine the role of this variant in disease. Therefore, it has been classified as a Variant of Uncertain Significance.